The following is an entry in ClinVar:

NM_000202.8(IDS):c.213C>G (p.Ser71Arg)

Gene: IDS (iduronate 2-sulfatase; minus strand). Cytogenetic location: Xq28.
Variant type: single nucleotide variant.
Coding change: c.213C>G on transcript NM_000202.8 (MANE Select); coding-DNA position 213, C replaced by G.
Protein change: p.Ser71Arg; replaces serine 71 with arginine.
Molecular consequence: missense variant. On other transcripts: 5 prime UTR variant (1), non-coding transcript variant (1).
Genome position (GRCh38, 1-based): chrX:149,504,184, G>C on the plus strand (C>G on the coding strand, the complement: IDS is on the minus strand). VCF-style: chrX-149504184-G-C. GRCh37 (hg19) VCF-style: chrX-148585714-G-C.
Other names: c.-14C>G (NM_001166550.4); c.213C>G, p.Ser71Arg (NM_006123.5); short protein forms S71R.
Identifiers: ClinVar variation 3256088 (VCV003256088.2).
Genomic context (GRCh38, chrX:149,504,184, plus strand): 5'-CACACACCCACAGCTAGAGGTTCCCAGACATACCTGCGCAAAGGCATTCTGGAAGAGGAG[G>C]CTGTGGGATGCCAGTTGGTCAATATTTGGGGACCTCACCAGCTTATCCCCATAACAGCCC-3'
Protein context (NP_000193.1, residues 61-81): SPNIDQLASH[Ser71Arg]LLFQNAFAQQ

ClinVar aggregate classification (germline): Likely pathogenic (1 of 4 stars; one submission).

Conditions:
Mucopolysaccharidosis, MPS-II (MPS2). Also called: Hunter Syndrome; IDURONATE 2-SULFATASE DEFICIENCY; Mucopolysaccharidosis Type II; Mucopolysaccharidosis type 2; Attenuated MPS (subtype; formerly known as mild MPS II); Severe MPS II. Identifiers: Orphanet 580, Orphanet 79388, MedGen C0026705, MONDO:0010674, OMIM 309900.

Submission:

Laboratory of Diagnosis and Therapy of Lysosomal Disorders, University of Padova
Classification: Likely pathogenic for Mucopolysaccharidosis, MPS-II. Last evaluated: 2024-06-07. Review status: criteria provided, single submitter. Criteria: ACMG Guidelines, 2015. Collection method: literature only. Allele origin: germline. Affected: yes. Observed: 1 variant allele.
Comment: Absent from controls (or at low frequency) in gnomAD database (PM2_Moderate), Missense variant in a gene with a low rate of benign missense variation (PP2_Supporting), Multiple lines of computational evidence support a deleterious effect (PP3_Supporting), Patient’s phenotype or family history highly specific for the disease (PP4_Strong)

Classification method: ACMG Guidelines [PMID:25741868] with modifications

Literature cited by the submitters: PubMed 16495038.